The following is an entry in ClinVar:

NM_020877.5(DNAH2):c.10881C>T (p.Ile3627=)

Gene: DNAH2 (dynein axonemal heavy chain 2; plus strand). Cytogenetic location: 17p13.1.
Variant type: single nucleotide variant.
Coding change: c.10881C>T on transcript NM_020877.5 (MANE Select); coding-DNA position 10881, C replaced by T.
Protein change: p.Ile3627=; no amino-acid change (isoleucine 3627 retained).
Molecular consequence: synonymous variant.
Genome position (GRCh38, 1-based): chr17:7,819,274, C>T. VCF-style: chr17-7819274-C-T. GRCh37 (hg19) VCF-style: chr17-7722592-C-T.
Identifiers: ClinVar variation 3351498 (VCV003351498.1).
Genomic context (GRCh38, chr17:7,819,274, plus strand): 5'-CCGCCCATGCGCCCAGCGGGCATCAATCCTGTTCTTCGTGCTCAATGATATGGGCTGCAT[C>T]GACCCCATGTACCAGTTCTCACTGGATGCCTACATCAGCCTCTTTATTCTCAGCATTGAC-3'
Protein context (NP_065928.2, residues 3617-3637): LFFVLNDMGC[Ile3627=]DPMYQFSLDA

ClinVar aggregate classification (germline): Likely benign (0 of 4 stars; one submission).

Conditions:
DNAH2-related disorder. Also called: DNAH2-related condition.

gnomAD v4.1: 19 of 1,614,020 alleles (0.0012%); highest among the groups gnomAD compares: African/African-American, 0.0093%; no homozygotes.

Submission:

PreventionGenetics, part of Exact Sciences
Classification: Likely benign for DNAH2-related condition. Last evaluated: 2019-06-28. Review status: no assertion criteria provided. Collection method: clinical testing. Allele origin: germline.
Comment: This variant is classified as likely benign based on ACMG/AMP sequence variant interpretation guidelines (Richards et al. 2015 PMID: 25741868, with internal and published modifications).